The following is an entry in ClinVar:

ClinVar aggregate classification (germline): Pathogenic (1 of 4 stars; one submission).

Conditions:
Hypogonadotropic hypogonadism 2 with or without anosmia (HH2). Also called: FGFR1-Related GnRH Deficiency (Kallmann Syndrome 2); HYPOGONADOTROPIC HYPOGONADISM 2 WITHOUT ANOSMIA; HYPOGONADOTROPIC HYPOGONADISM 2 WITH OR WITHOUT ANOSMIA, SUSCEPTIBILITY TO; HYPOGONADOTROPIC HYPOGONADISM 2 WITHOUT ANOSMIA, SUSCEPTIBILITY TO. Identifiers: Orphanet 478, MedGen C1563720, MONDO:0007844, OMIM 147950. Disease mechanism: loss of function.

Submission:

Reproductive Endocrine Unit, Massachusetts General Hospital
Classification: Pathogenic for Hypogonadotropic hypogonadism 2 with or without anosmia. Last evaluated: 2023-05-04. Review status: criteria provided, single submitter. Criteria: ACMG Guidelines, 2015. Collection method: research. Allele origin: unknown. Affected: yes. Observed: 1 variant allele.
Comment: The variant NM_023110.2:c.1962dup, p.(Lys655*) het has been classified as P1c based on the variant meeting the following ACMG Criteria: PVS1,PM2,PP3.

NM_023110.3(FGFR1):c.1962dup (p.Lys655Ter)

Gene: FGFR1 (fibroblast growth factor receptor 1; minus strand). Cytogenetic location: 8p11.23.
Variant type: Duplication.
Coding change: c.1962dup on transcript NM_023110.3 (MANE Select); coding-DNA position 1962, one base duplicated (T; older notation c.1962dupT).
Protein change: p.Lys655Ter; replaces lysine 655 with a stop codon.
Molecular consequence: nonsense. On other transcripts: frameshift variant (1).
Genome position (GRCh38, 1-based): chr8:38,414,794, A duplicated on the plus strand (T on the coding strand, the reverse complement: FGFR1 is on the minus strand). VCF-style (leftmost placement, unchanged base first): chr8-38414793-T-TA. GRCh37 (hg19) VCF-style: chr8-38272311-T-TA.
Other names: c.1962dup, p.Lys655Terfs (NM_000604.2); c.1956dup, p.Lys653Ter (NM_001174063.2, NM_001174065.2, NM_001354367.2 and 1 more transcripts); c.1932dup, p.Lys645Ter (NM_001174064.2); c.1695dup, p.Lys566Ter (NM_001174066.2, NM_023105.3); c.2055dup, p.Lys686Ter (NM_001174067.2); c.1683dup, p.Lys562Ter (NM_001354368.2); c.1950dup, p.Lys651Ter (NM_001354369.2, NM_001410922.1); c.1689dup, p.Lys564Ter (NM_001354370.2, NM_023106.3); short protein forms K562*, K564*, K566*, K645*, K651*, K653*, K655*, K686*.
Identifiers: ClinVar variation 2505400 (VCV002505400.1), dbSNP rs2536817156, ClinGen allele CA2580614539.
Genomic context (GRCh38, chr8:38,414,793, plus strand): 5'-TTCTCAGATGAAACCACCAGCACAGGGCGGCCTTGTCGGCACTCACGTTGGTTGTCTTTT[T>TA]ATAGTAGTCGATGTGGTGAATGTCCCGTGCGAGGCCAAAGTCTGCTATCTTCATCACATT-3'